The following is an entry in ClinVar:

ClinVar aggregate classification (germline): Uncertain significance. Review status: criteria provided, multiple submitters, no conflicts (2 of 4 stars). 2 submissions from 2 submitters: Uncertain significance (2). Last evaluated 2026-04-06.

Conditions:
Inborn genetic diseases. Identifiers: MedGen C0950123, MeSH D030342.

gnomAD v4.1: 5 of 1,601,324 alleles (0.00031%); highest among the groups gnomAD compares: Admixed American, 0.0017%; no homozygotes.

Submissions (2):

Dasa
Classification: Uncertain significance. Last evaluated: 2026-04-06. Review status: criteria provided, single submitter. Criteria: DASA Assertion Criteria. Collection method: clinical testing. Allele origin: germline.
Comment: NM_007118.4(TRIO):c.7550C>A (p.Ala2517Glu) is a missense variant that results in the substitution of alanine with glutamic acid. This variant is rare in population databases. The currently available literature and clinical evidence are not sufficient to establish a definitive association between this variant and the reported condition. Therefore, this variant is classified as a variant of uncertain significance.

Ambry Genetics
Classification: Uncertain significance for Inborn genetic diseases. Last evaluated: 2025-08-08. Review status: criteria provided, single submitter. Criteria: Ambry Variant Classification Scheme 2023. Collection method: clinical testing. Allele origin: germline.

NM_007118.4(TRIO):c.7550C>A (p.Ala2517Glu)

Gene: TRIO (trio Rho guanine nucleotide exchange factor; plus strand). Cytogenetic location: 5p15.2.
Variant type: single nucleotide variant.
Coding change: c.7550C>A on transcript NM_007118.4 (MANE Select); coding-DNA position 7550, C replaced by A.
Protein change: p.Ala2517Glu; replaces alanine 2517 with glutamic acid.
Molecular consequence: missense variant.
Genome position (GRCh38, 1-based): chr5:14,488,178, C>A. VCF-style: chr5-14488178-C-A. GRCh37 (hg19) VCF-style: chr5-14488287-C-A.
Other names: short protein forms A2517E.
Identifiers: ClinVar variation 2230968 (VCV002230968.5), dbSNP rs755179110, ClinGen allele CA359237669.